The following is an entry in ClinVar:

ClinVar aggregate classification (germline): Uncertain significance (1 of 4 stars; one submission).

Conditions:
Cardioacrofacial dysplasia 2. Identifiers: MedGen C5436886, MONDO:0030877, OMIM 619143.

gnomAD v4.1: 6 of 1,602,418 alleles (0.00037%); highest among the groups gnomAD compares: East Asian, 0.0045%; no homozygotes.

Submission:

Clinical Genomics Laboratory, Washington University in St. Louis
Classification: Uncertain significance for Cardioacrofacial dysplasia 2. Last evaluated: 2026-02-03. Review status: criteria provided, single submitter. Criteria: ACMG Guidelines, 2015. Collection method: clinical testing. Allele origin: germline.
Comment: A PRKACB c.1072-4A>G variant was identified at a near heterozygous allelic fraction of 49.9%, a frequency which may be consistent with germline origin. This variant, to our knowledge, has not been reported in the medical literature. It is only observed on 6/1,602,418 alleles in the general population (gnomAD v4.1.0), indicating it is not a common variant. Computational predictors indicate that the variant has no impact on splicing, evidence that this variant does not have a damaging effect on PRKACB function. Due to limited information, and based on ACMG/AMP guidelines for variant interpretation (Richards S et al., PMID: 25741868), the clinical significance of this variant is uncertain at this time.

NM_182948.4(PRKACB):c.1072-4A>G

Gene: PRKACB (protein kinase cAMP-activated catalytic subunit beta; plus strand). Cytogenetic location: 1p31.1.
Variant type: single nucleotide variant.
Coding change: c.1072-4A>G on transcript NM_182948.4 (MANE Select); 4 bases into the intron before coding-DNA position 1072, A replaced by G.
Molecular consequence: intron variant.
Genome position (GRCh38, 1-based): chr1:84,235,176, A>G. VCF-style: chr1-84235176-A-G. GRCh37 (hg19) VCF-style: chr1-84700859-A-G.
Other names: c.931-4A>G (NM_002731.4); c.952-4A>G (NM_001242857.3); c.943-4A>G (NM_001242859.3); c.928-4A>G (NM_001375562.1); c.919-4A>G (NM_001375563.1); c.895-4A>G (NM_001242858.3); c.949-4A>G (NM_001242860.3); c.940-4A>G (NM_001375560.1); and 4 more.
Identifiers: ClinVar variation 4974616 (VCV004974616.1).
Genomic context (GRCh38, chr1:84,235,176, plus strand): 5'-TGTTTGGAAACTCTCAGGAATTTTTTTTTCCTTTTTCTTATTTTTCTCTCCCTCTCAATT[A>G]TAGGTTGAAGCTCCATTCATACCAAAGTTTAGAGGCTCTGGAGATACCAGCAACTTTGAT-3'